The following is an entry in ClinVar:

NM_000368.5(TSC1):c.3402C>A (p.Asn1134Lys)

Gene: TSC1 (TSC complex subunit 1; minus strand). Cytogenetic location: 9q34.13.
Variant type: single nucleotide variant.
Coding change: c.3402C>A on transcript NM_000368.5 (MANE Select); coding-DNA position 3402, C replaced by A.
Protein change: p.Asn1134Lys; replaces asparagine 1134 with lysine.
Molecular consequence: missense variant. On other transcripts: non-coding transcript variant (5).
Genome position (GRCh38, 1-based): chr9:132,896,328, G>T on the plus strand (C>A on the coding strand, the complement: TSC1 is on the minus strand). VCF-style: chr9-132896328-G-T. GRCh37 (hg19) VCF-style: chr9-135771715-G-T.
Other names: c.2448C>A, p.Asn816Lys (NM_001406627.1, NM_001406628.1); c.2349C>A, p.Asn783Lys (NM_001406629.1, NM_001406630.1); c.3039C>A, p.Asn1013Lys (NM_001406617.1, NM_001406618.1, NM_001406619.1 and 4 more transcripts); c.3036C>A, p.Asn1012Lys (NM_001406620.1, NM_001406621.1, NM_001406622.1 and 1 more transcripts); c.2997C>A, p.Asn999Lys (NM_001406624.1); c.2994C>A, p.Asn998Lys (NM_001406625.1); c.2451C>A, p.Asn817Lys (NM_001406626.1); c.3399C>A, p.Asn1133Lys (NM_001162426.2, NM_001406597.1, NM_001406598.1 and 2 more transcripts); and 8 more; short protein forms N1013K, N1068K, N1082K, N1128K, N1133K, N1119K, N1134K, N783K.
Identifiers: ClinVar variation 3691407 (VCV003691407.2).

ClinVar aggregate classification (germline): Uncertain significance (1 of 4 stars; one submission).

Conditions:
Tuberous sclerosis 1 (TSC1). Identifiers: Orphanet 805, MedGen C1854465, MONDO:0008612, OMIM 191100.

Submission:

Labcorp Genetics (formerly Invitae), Labcorp
Classification: Uncertain significance for Tuberous sclerosis 1. Last evaluated: 2024-10-15. Review status: criteria provided, single submitter. Criteria: Invitae Variant Classification Sherloc (09022015). Collection method: clinical testing. Allele origin: germline.
Comment: This sequence change replaces asparagine, which is neutral and polar, with lysine, which is basic and polar, at codon 1134 of the TSC1 protein (p.Asn1134Lys). This variant is not present in population databases (gnomAD no frequency). This variant has not been reported in the literature in individuals affected with TSC1-related conditions. Invitae Evidence Modeling of protein sequence and biophysical properties (such as structural, functional, and spatial information, amino acid conservation, physicochemical variation, residue mobility, and thermodynamic stability) indicates that this missense variant is not expected to disrupt TSC1 protein function with a negative predictive value of 95%. In summary, the available evidence is currently insufficient to determine the role of this variant in disease. Therefore, it has been classified as a Variant of Uncertain Significance.